The following is an entry in ClinVar:

NM_004260.4(RECQL4):c.2537T>C (p.Val846Ala)

Gene: RECQL4 (RecQ like helicase 4; minus strand). Cytogenetic location: 8q24.3.
Variant type: single nucleotide variant.
Coding change: c.2537T>C on transcript NM_004260.4 (MANE Select); coding-DNA position 2537, T replaced by C.
Protein change: p.Val846Ala; replaces valine 846 with alanine.
Molecular consequence: missense variant.
Genome position (GRCh38, 1-based): chr8:144,513,065, A>G on the plus strand (T>C on the coding strand, the complement: RECQL4 is on the minus strand). VCF-style: chr8-144513065-A-G. GRCh37 (hg19) VCF-style: chr8-145738448-A-G.
Other names: short protein forms V846A.
Identifiers: ClinVar variation 1051342 (VCV001051342.3), dbSNP rs756449897, ClinGen allele CA372677109.

ClinVar aggregate classification (germline): Uncertain significance (1 of 4 stars; one submission).

Conditions:
Baller-Gerold syndrome (BGS). Also called: CRANIOSYNOSTOSIS WITH RADIAL DEFECTS. Identifiers: Orphanet 1225, MedGen C0265308, MONDO:0009039, OMIM 218600.

Submission:

Labcorp Genetics (formerly Invitae), Labcorp
Classification: Uncertain significance for Baller-Gerold syndrome. Last evaluated: 2020-01-23. Review status: criteria provided, single submitter. Criteria: Invitae Variant Classification Sherloc (09022015). Collection method: clinical testing. Allele origin: germline.
Comment: Experimental studies and prediction algorithms are not available or were not evaluated, and the functional significance of this variant is currently unknown. In summary, the available evidence is currently insufficient to determine the role of this variant in disease. Therefore, it has been classified as a Variant of Uncertain Significance. This sequence change replaces valine with alanine at codon 846 of the RECQL4 protein (p.Val846Ala). The valine residue is highly conserved and there is a small physicochemical difference between valine and alanine. This variant is not present in population databases (ExAC no frequency). This variant has not been reported in the literature in individuals with RECQL4-related conditions.